The following is an entry in ClinVar:

ClinVar aggregate classification (germline): Benign. Review status: criteria provided, multiple submitters, no conflicts (2 of 4 stars). 3 submissions from 3 submitters: Benign (2). 1 of the submissions does not count toward it. Last evaluated 2026-02-01.

Conditions:
IGSF10-related disorder. Also called: IGSF10-related condition.

Allele frequency attached by ClinVar (database versions not stated): 1000 Genomes Project 0.02616; 1000 Genomes Project 30x 0.02717; ESP Exome Variant Server 0.02906; gnomAD 0.03076 and 0.03082; ExAC 0.03391; TOPMed 0.03422; gnomAD exomes 0.03507 and 0.03631.
gnomAD v4.1: 58,217 of 1,614,142 alleles (3.6%); highest among the groups gnomAD compares: Middle Eastern, 7.9%; 1,246 homozygotes.

Submissions (3):

Labcorp Genetics (formerly Invitae), Labcorp
Classification: Benign. Last evaluated: 2026-02-01. Review status: criteria provided, single submitter. Criteria: Invitae Variant Classification Sherloc (09022015). Collection method: clinical testing. Allele origin: germline.

Breakthrough Genomics
Classification: Benign. Review status: criteria provided, single submitter. Criteria: ACMG Guidelines, 2015. Collection method: not provided. Allele origin: germline. Inheritance: Unknown mechanism. Affected: yes.

PreventionGenetics, part of Exact Sciences
Classification: Benign for IGSF10-related condition. Last evaluated: 2019-03-29. Review status: no assertion criteria provided. Collection method: clinical testing. Allele origin: germline. Not counted in ClinVar's aggregate classification.
Comment: This variant is classified as benign based on ACMG/AMP sequence variant interpretation guidelines (Richards et al. 2015 PMID: 25741868, with internal and published modifications).

NM_178822.5(IGSF10):c.5623T>C (p.Tyr1875His)

Gene: IGSF10 (immunoglobulin superfamily member 10; minus strand). Cytogenetic location: 3q25.1.
Variant type: single nucleotide variant.
Coding change: c.5623T>C on transcript NM_178822.5 (MANE Select); coding-DNA position 5623, T replaced by C.
Protein change: p.Tyr1875His; replaces tyrosine 1875 with histidine.
Molecular consequence: missense variant.
Genome position (GRCh38, 1-based): chr3:151,443,324, A>G on the plus strand (T>C on the coding strand, the complement: IGSF10 is on the minus strand). VCF-style: chr3-151443324-A-G. GRCh37 (hg19) VCF-style: chr3-151161112-A-G.
Other names: c.5623T>C, p.Tyr1875His (NM_001385060.1, NM_001385061.1, NM_001385062.1 and 1 more transcripts); c.5623T>C (NM_178822.4); short protein forms Y1875H.
Identifiers: ClinVar variation 1546554 (VCV001546554.11), dbSNP rs12487205, ClinGen allele CA2669702.
Genomic context (GRCh38, chr3:151,443,324, plus strand): 5'-ACAACTTGGAATTGGTAAACTGTAATGGTTTCACTTCAGTGCCATCAGAGAGGACCCAGT[A>G]AACGCTGGGCTGAGGAGTTCCTTTTGCAGTACAGGGCAGTTTTAAACTTTCACCCCAAGT-3'
Protein context (NP_849144.2, residues 1865-1885): TAKGTPQPSV[Tyr1875His]WVLSDGTEVK